The following is an entry in ClinVar:

ClinVar aggregate classification (germline): Uncertain significance (1 of 4 stars; one submission).

gnomAD v4.1: 2 of 1,605,690 alleles (0.00012%); highest among the groups gnomAD compares: Non-Finnish European, 0.00017%; no homozygotes.

Submission:

Labcorp Genetics (formerly Invitae), Labcorp
Classification: Uncertain significance. Last evaluated: 2023-11-27. Review status: criteria provided, single submitter. Criteria: Invitae Variant Classification Sherloc (09022015). Collection method: clinical testing. Allele origin: germline.
Comment: This sequence change affects codon 113 of the HMCN1 mRNA. It is a 'silent' change, meaning that it does not change the encoded amino acid sequence of the HMCN1 protein. This variant also falls at the last nucleotide of exon 2, which is part of the consensus splice site for this exon. This variant is not present in population databases (gnomAD no frequency). This variant has not been reported in the literature in individuals affected with HMCN1-related conditions. ClinVar contains an entry for this variant (Variation ID: 2001818). Variants that disrupt the consensus splice site are a relatively common cause of aberrant splicing (PMID: 17576681, 9536098). Algorithms developed to predict the effect of sequence changes on RNA splicing suggest that this variant is not likely to affect RNA splicing. In summary, the available evidence is currently insufficient to determine the role of this variant in disease. Therefore, it has been classified as a Variant of Uncertain Significance.

Literature cited by the submitters: PubMed 17576681; PubMed 9536098.

NM_031935.3(HMCN1):c.339G>A (p.Gln113=)

Gene: HMCN1 (hemicentin 1; plus strand). Cytogenetic location: 1q31.1.
Variant type: single nucleotide variant.
Coding change: c.339G>A on transcript NM_031935.3 (MANE Select); coding-DNA position 339, G replaced by A.
Protein change: p.Gln113=; no amino-acid change (glutamine 113 retained).
Molecular consequence: synonymous variant.
Genome position (GRCh38, 1-based): chr1:185,846,096, G>A. VCF-style: chr1-185846096-G-A. GRCh37 (hg19) VCF-style: chr1-185815228-G-A.
Identifiers: ClinVar variation 2001818 (VCV002001818.4), dbSNP rs765073432, ClinGen allele CA422372921.